The following is an entry in ClinVar:

ClinVar aggregate classification (germline): Uncertain significance (1 of 4 stars; one submission).

Submission:

Labcorp Genetics (formerly Invitae), Labcorp
Classification: Uncertain significance. Last evaluated: 2024-11-05. Review status: criteria provided, single submitter. Criteria: Invitae Variant Classification Sherloc (09022015). Collection method: clinical testing. Allele origin: germline.
Comment: This sequence change replaces lysine, which is basic and polar, with asparagine, which is neutral and polar, at codon 222 of the MYO5B protein (p.Lys222Asn). This variant is not present in population databases (gnomAD no frequency). This variant has not been reported in the literature in individuals affected with MYO5B-related conditions. Invitae Evidence Modeling of protein sequence and biophysical properties (such as structural, functional, and spatial information, amino acid conservation, physicochemical variation, residue mobility, and thermodynamic stability) indicates that this missense variant is expected to disrupt MYO5B protein function with a positive predictive value of 80%. In summary, the available evidence is currently insufficient to determine the role of this variant in disease. Therefore, it has been classified as a Variant of Uncertain Significance.

NM_001080467.3(MYO5B):c.666G>T (p.Lys222Asn)

Gene: MYO5B (myosin VB; minus strand). Cytogenetic location: 18q21.1.
Variant type: single nucleotide variant.
Coding change: c.666G>T on transcript NM_001080467.3 (MANE Select); coding-DNA position 666, G replaced by T.
Protein change: p.Lys222Asn; replaces lysine 222 with asparagine.
Molecular consequence: missense variant.
Genome position (GRCh38, 1-based): chr18:49,992,378, C>A on the plus strand (G>T on the coding strand, the complement: MYO5B is on the minus strand). VCF-style: chr18-49992378-C-A. GRCh37 (hg19) VCF-style: chr18-47518748-C-A.
Other names: short protein forms K222N.
Identifiers: ClinVar variation 3723472 (VCV003723472.2).